The following is an entry in ClinVar:

ClinVar aggregate classification (germline): Likely benign. Review status: criteria provided, multiple submitters, no conflicts (2 of 4 stars). 2 submissions from 2 submitters: Likely benign (2). Last evaluated 2026-08-01.

gnomAD v4.1: 270 of 1,601,654 alleles (0.017%); highest among the groups gnomAD compares: South Asian, 0.29%; 4 homozygotes.

Submissions (2):

CeGaT Center for Human Genetics Tuebingen
Classification: Likely benign. Last evaluated: 2026-08-01. Review status: criteria provided, single submitter. Criteria: CeGaT Center For Human Genetics Tuebingen Variant Classification Criteria Version 2. Collection method: clinical testing. Allele origin: germline. Affected: yes. Observed: 1 variant allele.
Comment: CUX2: BP4, BS1

Blueprint Genetics
Classification: Likely benign. Last evaluated: 2024-07-15. Review status: criteria provided, single submitter. Criteria: ACMG Guidelines, 2015. Collection method: clinical testing. Allele origin: germline.

NM_015267.4(CUX2):c.2941C>T (p.Pro981Ser)

Gene: CUX2 (cut like homeobox 2; plus strand). Cytogenetic location: 12q24.12.
Variant type: single nucleotide variant.
Coding change: c.2941C>T on transcript NM_015267.4 (MANE Select); coding-DNA position 2941, C replaced by T.
Protein change: p.Pro981Ser; replaces proline 981 with serine.
Molecular consequence: missense variant.
Genome position (GRCh38, 1-based): chr12:111,334,455, C>T. VCF-style: chr12-111334455-C-T. GRCh37 (hg19) VCF-style: chr12-111772259-C-T.
Other names: c.2755C>T, p.Pro919Ser (NM_001370598.1); short protein forms P981S, P919S.
Identifiers: ClinVar variation 4918537 (VCV004918537.2).
Genomic context (GRCh38, chr12:111,334,455, plus strand): 5'-TGTGCCAGATTATAGTAACCACCTTCTCTTTCTCTGTGGCCCACAGCCAGTCCCACAGAA[C>T]CAAGGTCCTCACCATCCCCACCCCCCAGCCCCACAGAGCCTGAGAAGAGCTCCCAGGAGC-3'
Protein context (NP_056082.2, residues 971-991): PGASQASPTE[Pro981Ser]RSSPSPPPSP